The following is an entry in ClinVar:

ClinVar aggregate classification (germline): Benign/Likely benign. Review status: criteria provided, multiple submitters, no conflicts (2 of 4 stars). 9 submissions from 9 submitters: Benign (1); Likely benign (7). 1 of the submissions does not count toward it. Last evaluated 2026-02-02.

Conditions:
PRKAG2-related disorder. Also called: PRKAG2-related condition; PRKAG2-related disorders.
Cardiovascular phenotype. Identifiers: MedGen CN230736.
Cardiomyopathy (CMYO). Also called: Cardiomyopathies. Identifiers: Orphanet 167848, MedGen C0878544, MONDO:0004994, HP:0001638. Inheritance: Various modes of inheritance.
Lethal congenital glycogen storage disease of heart. Also called: GLYCOGEN STORAGE DISEASE OF HEART; PHOSPHORYLASE KINASE DEFICIENCY OF HEART. Identifiers: Orphanet 439854, MedGen C1849813, MONDO:0009867, OMIM 261740.
Hypertrophic cardiomyopathy. Also called: HYPERTROPHIC MYOCARDIOPATHY. Identifiers: Orphanet 217569, MedGen C0007194, MeSH D002312, MONDO:0005045, HP:0001639.

Allele frequency attached by ClinVar (database versions not stated): gnomAD exomes 0.00002 and 0.00003; ExAC 0.00003; TOPMed 0.00006; gnomAD 0.00008 and 0.00009.
gnomAD v4.1: 51 of 1,613,930 alleles (0.0032%); highest among the groups gnomAD compares: Middle Eastern, 0.016%; no homozygotes.

Submissions (9):

Labcorp Genetics (formerly Invitae), Labcorp
Classification: Likely benign for Lethal congenital glycogen storage disease of heart. Last evaluated: 2026-02-02. Review status: criteria provided, single submitter. Criteria: Invitae Variant Classification Sherloc (09022015). Collection method: clinical testing. Allele origin: germline.

Women's Health and Genetics/Laboratory Corporation of America, LabCorp
Classification: Likely benign. Last evaluated: 2025-09-02. Review status: criteria provided, single submitter. Criteria: LabCorp Variant Classification Summary - May 2015. Collection method: clinical testing. Allele origin: germline.

Blueprint Genetics
Classification: Likely benign. Last evaluated: 2024-10-09. Review status: criteria provided, single submitter. Criteria: ACMG Guidelines, 2015. Collection method: clinical testing. Allele origin: germline.

All of Us Research Program, National Institutes of Health
Classification: Likely benign for Hypertrophic cardiomyopathy. Last evaluated: 2023-12-18. Review status: criteria provided, single submitter. Criteria: ACMG Guidelines, 2015. Collection method: clinical testing. Allele origin: germline. Inheritance: Autosomal dominant inheritance. Observed: 9 variant alleles, 9 heterozygotes.
Comment: This study involves interpretation of variants in research participants for the purpose of population health screening. Participant phenotype was not available at the time of variant classification. Additional details can be found in publication PMID: 35346344, PMCID: PMC8962531

Ambry Genetics
Classification: Likely benign for Cardiovascular phenotype. Last evaluated: 2021-05-06. Review status: criteria provided, single submitter. Criteria: Ambry Variant Classification Scheme 2023. Collection method: clinical testing. Allele origin: germline.

Color Diagnostics, LLC DBA Color Health
Classification: Likely benign for Cardiomyopathy. Last evaluated: 2018-12-16. Review status: criteria provided, single submitter. Criteria: ACMG Guidelines, 2015. Collection method: clinical testing. Allele origin: germline.

GeneDx
Classification: Benign. Last evaluated: 2017-01-20. Review status: criteria provided, single submitter. Criteria: GeneDx Variant Classification (06012015). Collection method: clinical testing. Allele origin: germline. Affected: yes.
Comment: This variant is considered likely benign or benign based on one or more of the following criteria: it is a conservative change, it occurs at a poorly conserved position in the protein, it is predicted to be benign by multiple in silico algorithms, and/or has population frequency not consistent with disease.

Laboratory for Molecular Medicine, Mass General Brigham Personalized Medicine
Classification: Likely benign. Last evaluated: 2008-03-01. Review status: criteria provided, single submitter. Criteria: LMM Criteria. Collection method: clinical testing. Allele origin: germline. Observed: 1 variant allele.

PreventionGenetics, part of Exact Sciences
Classification: Likely benign for PRKAG2-related condition. Last evaluated: 2020-09-03. Review status: no assertion criteria provided. Collection method: clinical testing. Allele origin: germline. Not counted in ClinVar's aggregate classification.
Comment: This variant is classified as likely benign based on ACMG/AMP sequence variant interpretation guidelines (Richards et al. 2015 PMID: 25741868, with internal and published modifications).

NM_016203.4(PRKAG2):c.594G>A (p.Pro198=)

Gene: PRKAG2 (protein kinase AMP-activated non-catalytic subunit gamma 2; minus strand). Cytogenetic location: 7q36.1.
Variant type: single nucleotide variant.
Coding change: c.594G>A on transcript NM_016203.4 (MANE Select); coding-DNA position 594, G replaced by A.
Protein change: p.Pro198=; no amino-acid change (proline 198 retained).
Molecular consequence: synonymous variant.
Genome position (GRCh38, 1-based): chr7:151,675,510, C>T on the plus strand (G>A on the coding strand, the complement: PRKAG2 is on the minus strand). VCF-style: chr7-151675510-C-T. GRCh37 (hg19) VCF-style: chr7-151372596-C-T.
Other names: c.462G>A, p.Pro154= (NM_001040633.2); c.222G>A, p.Pro74= (NM_001304527.2, NM_001363698.2).
Identifiers: ClinVar variation 45726 (VCV000045726.19), dbSNP rs397517276, ClinGen allele CA014406.